The following is an entry in ClinVar:

ClinVar aggregate classification (germline): Uncertain significance (1 of 4 stars; one submission).

gnomAD v4.1: 8 of 456,584 alleles (0.0018%); highest among the groups gnomAD compares: African/African-American, 0.016%; no homozygotes.

Submission:

Women's Health and Genetics/Laboratory Corporation of America, LabCorp
Classification: Uncertain significance. Last evaluated: 2025-02-19. Review status: criteria provided, single submitter. Criteria: LabCorp Variant Classification Summary - May 2015. Collection method: clinical testing. Allele origin: germline.
Comment: Variant summary: MATR3 c.-339+8C>A located in the untranslated mRNA region upstream of the initiation codon. Consensus agreement among computation tools predict no significant impact on normal splicing. However, these predictions have yet to be confirmed by functional studies. The variant allele was found at a frequency of 1.5e-05 in 134592 control chromosomes (gnomAD). The available data on variant occurrences in the general population are insufficient to allow any conclusion about variant significance. To our knowledge, no occurrence of c.-339+8C>A in individuals affected with Amyotrophic lateral sclerosis type 1 and no experimental evidence demonstrating its impact on protein function have been reported. No submitters have cited clinical-significance assessments for this variant to ClinVar. Based on the evidence outlined above, the variant was classified as uncertain significance.

NM_199189.3(MATR3):c.-339+8C>A

Genes: MATR3 (matrin 3; plus strand), SNHG4 (small nucleolar RNA host gene 4; plus strand). Cytogenetic location: 5q31.2.
Variant type: single nucleotide variant.
Coding change: c.-339+8C>A on transcript NM_199189.3; 8 bases into the intron after 339 bases upstream of the start codon, C replaced by A.
Molecular consequence: intron variant.
Genome position (GRCh38, 1-based): chr5:139,276,158, C>A. VCF-style: chr5-139276158-C-A. GRCh37 (hg19) VCF-style: chr5-138611847-C-A.
Other names: c.-462+8C>A (NM_001400451.1, NM_001400455.1, NM_001400444.1 and 1 more transcripts); c.-339+8C>A (NM_001400450.1, NM_001400442.1); c.-178+8C>A (NM_001400441.1, NM_001400443.1, NM_001400453.1); c.-586+8C>A (NM_001400452.1); c.-463+8C>A (NM_001400454.1); c.-235+8C>A (NM_001400459.1); c.-387+8C>A (NM_001400463.1); c.-264+8C>A (NM_001400460.1, NM_001282278.2); and 5 more.
Identifiers: ClinVar variation 3768932 (VCV003768932.1).